The following is an entry in ClinVar:

NM_020988.3(GNAO1):c.428G>T (p.Arg143Leu)

Gene: GNAO1 (G protein subunit alpha o1; plus strand). Cytogenetic location: 16q13.
Variant type: single nucleotide variant.
Coding change: c.428G>T on transcript NM_020988.3 (MANE Select); coding-DNA position 428, G replaced by T.
Protein change: p.Arg143Leu; replaces arginine 143 with leucine.
Molecular consequence: missense variant.
Genome position (GRCh38, 1-based): chr16:56,328,755, G>T. VCF-style: chr16-56328755-G-T. GRCh37 (hg19) VCF-style: chr16-56362667-G-T.
Other names: c.428G>T, p.Arg143Leu (NM_138736.3); short protein forms R143L.
Identifiers: ClinVar variation 1470239 (VCV001470239.7), dbSNP rs777414554, ClinGen allele CA395950457.
Genomic context (GRCh38, chr16:56,328,755, plus strand): 5'-AGCTGCTTTCTGCCATGATGCGGCTCTGGGGCGACTCAGGAATCCAAGAGTGCTTCAACC[G>T]GTCCCGGGAGTATCAGCTCAACGACTCTGCCAAATAGTGAGTGTCCCAGCGGGCGCATGG-3'
Protein context (NP_066268.1, residues 133-153): GDSGIQECFN[Arg143Leu]SREYQLNDSA

ClinVar aggregate classification (germline): Uncertain significance (1 of 4 stars; one submission).

Conditions:
Early-infantile DEE. Also called: Early infantile epileptic encephalopathy with suppression bursts; Early infantile epileptic encephalopathy; Ohtahara syndrome. Identifiers: Orphanet 1934, MedGen C0393706, MONDO:0800491.

Submission:

Labcorp Genetics (formerly Invitae), Labcorp
Classification: Uncertain significance for Early-infantile DEE. Last evaluated: 2024-10-22. Review status: criteria provided, single submitter. Criteria: Invitae Variant Classification Sherloc (09022015). Collection method: clinical testing. Allele origin: germline.
Comment: This sequence change replaces arginine, which is basic and polar, with leucine, which is neutral and non-polar, at codon 143 of the GNAO1 protein (p.Arg143Leu). This variant is not present in population databases (gnomAD no frequency). This variant has not been reported in the literature in individuals affected with GNAO1-related conditions. ClinVar contains an entry for this variant (Variation ID: 1470239). Invitae Evidence Modeling of protein sequence and biophysical properties (such as structural, functional, and spatial information, amino acid conservation, physicochemical variation, residue mobility, and thermodynamic stability) indicates that this missense variant is expected to disrupt GNAO1 protein function with a positive predictive value of 80%. In summary, the available evidence is currently insufficient to determine the role of this variant in disease. Therefore, it has been classified as a Variant of Uncertain Significance.